The following is an entry in ClinVar:

ClinVar aggregate classification (germline): Uncertain significance. Review status: criteria provided, multiple submitters, no conflicts (2 of 4 stars). 4 submissions from 4 submitters: Uncertain significance (4). Last evaluated 2025-07-29.

Conditions:
Hereditary cancer-predisposing syndrome. Also called: Tumor predisposition; Hereditary neoplastic syndrome; Hereditary Cancer Syndrome; Neoplastic Syndromes, Hereditary. Identifiers: Orphanet 140162, MedGen C0027672, MeSH D009386, MONDO:0015356.
Familial adenomatous polyposis 1 (FAP1). Also called: FAMILIAL ADENOMATOUS POLYPOSIS 1, ATTENUATED; POLYPOSIS, ADENOMATOUS INTESTINAL. Identifiers: MedGen C2713442, MONDO:0021056, OMIM 175100. Disease mechanism: loss of function.

gnomAD v4.1: 8 of 1,613,854 alleles (0.0005%); highest among the groups gnomAD compares: African/African-American, 0.0013%; no homozygotes.

Submissions (4):

Labcorp Genetics (formerly Invitae), Labcorp
Classification: Uncertain significance for Familial adenomatous polyposis 1. Last evaluated: 2025-07-29. Review status: criteria provided, single submitter. Criteria: Invitae Variant Classification Sherloc (09022015). Collection method: clinical testing. Allele origin: germline.
Comment: This sequence change replaces serine, which is neutral and polar, with asparagine, which is neutral and polar, at codon 2337 of the APC protein (p.Ser2337Asn). This variant is not present in population databases (gnomAD no frequency). This variant has not been reported in the literature in individuals affected with APC-related conditions. ClinVar contains an entry for this variant (Variation ID: 1172170). Invitae Evidence Modeling of protein sequence and biophysical properties (such as structural, functional, and spatial information, amino acid conservation, physicochemical variation, residue mobility, and thermodynamic stability) indicates that this missense variant is not expected to disrupt APC protein function with a negative predictive value of 95%. In summary, the available evidence is currently insufficient to determine the role of this variant in disease. Therefore, it has been classified as a Variant of Uncertain Significance.

Ambry Genetics
Classification: Uncertain significance for Hereditary cancer-predisposing syndrome. Last evaluated: 2025-01-23. Review status: criteria provided, single submitter. Criteria: Ambry Variant Classification Scheme 2023. Collection method: clinical testing. Allele origin: germline.
Comment: The p.S2337N variant (also known as c.7010G>A), located in coding exon 15 of the APC gene, results from a G to A substitution at nucleotide position 7010. The serine at codon 2337 is replaced by asparagine, an amino acid with highly similar properties. This amino acid position is highly conserved in available vertebrate species. In addition, in silico predictors for this gene do not accurately predict pathogenicity. Missense alterations in APC are not a common cause of disease (Spier I et al. Genet Med. 2024 Feb;26(2):100992). Based on the available evidence, the clinical significance of this variant remains unclear.

Color Diagnostics, LLC DBA Color Health
Classification: Uncertain significance for Hereditary cancer-predisposing syndrome. Last evaluated: 2024-03-06. Review status: criteria provided, single submitter. Criteria: ACMG Guidelines, 2015. Collection method: clinical testing. Allele origin: germline.
Comment: This missense variant replaces serine with asparagine at codon 2337 of the APC protein. Computational prediction is inconclusive regarding the impact of this variant on protein structure and function (internally defined REVEL score threshold 0.5 < inconclusive < 0.7, PMID: 27666373). To our knowledge, functional studies have not been reported for this variant. This variant has not been reported in individuals affected with hereditary cancer in the literature. This variant has not been identified in the general population by the Genome Aggregation Database (gnomAD). The available evidence is insufficient to determine the role of this variant in disease conclusively. Therefore, this variant is classified as a Variant of Uncertain Significance.

Quest Diagnostics Nichols Institute San Juan Capistrano
Classification: Uncertain significance. Last evaluated: 2023-04-19. Review status: criteria provided, single submitter. Criteria: Quest Diagnostics criteria. Collection method: clinical testing. Allele origin: unknown.
Comment: To the best of our knowledge, the variant has not been reported in the published literature. It also has not been reported in large, multi-ethnic general populations. Analysis of this variant using bioinformatics tools for the prediction of the effect of amino acid changes on protein structure and function yielded predictions that this variant is damaging. Based on the available information, we are unable to determine the clinical significance of this variant.

NM_000038.6(APC):c.7010G>A (p.Ser2337Asn)

Gene: APC (APC regulator of Wnt signaling pathway; plus strand). Cytogenetic location: 5q22.2.
Variant type: single nucleotide variant.
Coding change: c.7010G>A on transcript NM_000038.6 (MANE Select); coding-DNA position 7010, G replaced by A.
Protein change: p.Ser2337Asn; replaces serine 2337 with asparagine.
Molecular consequence: missense variant.
Genome position (GRCh38, 1-based): chr5:112,842,604, G>A. VCF-style: chr5-112842604-G-A. GRCh37 (hg19) VCF-style: chr5-112178301-G-A.
Other names: c.7010G>A, p.Ser2337Asn (NM_001127510.3, NM_001354895.2); c.6956G>A, p.Ser2319Asn (NM_001127511.3); c.7064G>A, p.Ser2355Asn (NM_001354896.2); c.7040G>A, p.Ser2347Asn (NM_001354897.2); c.6935G>A, p.Ser2312Asn (NM_001354898.2); c.6926G>A, p.Ser2309Asn (NM_001354899.2); c.6887G>A, p.Ser2296Asn (NM_001354900.2); c.6833G>A, p.Ser2278Asn (NM_001354901.2); and 5 more; short protein forms S2054N, S2177N, S2211N, S2236N, S2246N, S2278N, S2296N, S2309N.
Identifiers: ClinVar variation 1172170 (VCV001172170.11), dbSNP rs1464047428, ClinGen allele CA16036612.